The following is an entry in ClinVar:

NM_173689.7(CRB2):c.3015_3016delinsAT (p.Leu1005_Leu1006=)

Gene: CRB2 (crumbs cell polarity complex component 2; plus strand). Cytogenetic location: 9q33.3.
Variant type: Indel.
Coding change: c.3015_3016delinsAT on transcript NM_173689.7 (MANE Select); coding-DNA positions 3015 to 3016, GC replaced by AT.
Protein change: p.Leu1005_Leu1006=.
Molecular consequence: synonymous variant. On other transcripts: non-coding transcript variant (1).
Genome position (GRCh38, 1-based): chr9:123,373,546-123,373,547, GC replaced by AT. VCF-style: chr9-123373546-GC-AT. GRCh37 (hg19) VCF-style: chr9-126135825-GC-AT.
Identifiers: ClinVar variation 1942890 (VCV001942890.4), dbSNP rs2550688502, ClinGen allele CA2580079540.

ClinVar aggregate classification (germline): Uncertain significance (1 of 4 stars; one submission).

Submission:

Labcorp Genetics (formerly Invitae), Labcorp
Classification: Uncertain significance. Last evaluated: 2022-04-10. Review status: criteria provided, single submitter. Criteria: Invitae Variant Classification Sherloc (09022015). Collection method: clinical testing. Allele origin: germline.
Comment: This sequence change affects codon 1005 of the CRB2 mRNA. It is a 'silent' change, meaning that it does not change the encoded amino acid sequence of the CRB2 protein. Information on the frequency of this variant in the gnomAD database is not available, as this variant may be reported differently in the database. This variant has not been reported in the literature in individuals affected with CRB2-related conditions. Experimental studies and prediction algorithms are not available or were not evaluated, and the effect of this variant on mRNA splicing is currently unknown. In summary, the available evidence is currently insufficient to determine the role of this variant in disease. Therefore, it has been classified as a Variant of Uncertain Significance.